The following is an entry in ClinVar:

NM_001001563.5(TIMM50):c.771G>T (p.Gln257His)

Gene: TIMM50 (translocase of inner mitochondrial membrane 50; plus strand). Cytogenetic location: 19q13.2.
Variant type: single nucleotide variant.
Coding change: c.771G>T on transcript NM_001001563.5 (MANE Select); coding-DNA position 771, G replaced by T.
Protein change: p.Gln257His; replaces glutamine 257 with histidine.
Molecular consequence: missense variant.
Genome position (GRCh38, 1-based): chr19:39,488,135, G>T. VCF-style: chr19-39488135-G-T. GRCh37 (hg19) VCF-style: chr19-39978775-G-T.
Other names: c.432G>T, p.Gln144His (NM_001329559.2); short protein forms Q257H, Q144H.
Identifiers: ClinVar variation 1998761 (VCV001998761.4), dbSNP rs2514623661, ClinGen allele CA405789480.

ClinVar aggregate classification (germline): Uncertain significance (1 of 4 stars; one submission).

Allele frequency attached by ClinVar (database versions not stated): gnomAD exomes below 0.00001.
gnomAD v4.1: 2 of 1,614,044 alleles (0.00012%); highest among the groups gnomAD compares: Non-Finnish European, 0.00017%; no homozygotes.

Submission:

Labcorp Genetics (formerly Invitae), Labcorp
Classification: Uncertain significance. Last evaluated: 2022-07-15. Review status: criteria provided, single submitter. Criteria: Invitae Variant Classification Sherloc (09022015). Collection method: clinical testing. Allele origin: germline.
Comment: Algorithms developed to predict the effect of missense changes on protein structure and function are either unavailable or do not agree on the potential impact of this missense change (SIFT: "Not Available"; PolyPhen-2: "Benign"; Align-GVGD: "Not Available"). This sequence change replaces glutamine, which is neutral and polar, with histidine, which is basic and polar, at codon 360 of the TIMM50 protein (p.Gln360His). This variant is not present in population databases (gnomAD no frequency). This variant has not been reported in the literature in individuals affected with TIMM50-related conditions. In summary, the available evidence is currently insufficient to determine the role of this variant in disease. Therefore, it has been classified as a Variant of Uncertain Significance.